The following is an entry in ClinVar:

NM_005908.4(MANBA):c.239A>G (p.Tyr80Cys)

Gene: MANBA (mannosidase beta; minus strand). Cytogenetic location: 4q24.
Variant type: single nucleotide variant.
Coding change: c.239A>G on transcript NM_005908.4 (MANE Select); coding-DNA position 239, A replaced by G.
Protein change: p.Tyr80Cys; replaces tyrosine 80 with cysteine.
Molecular consequence: missense variant.
Genome position (GRCh38, 1-based): chr4:102,726,622, T>C on the plus strand (A>G on the coding strand, the complement: MANBA is on the minus strand). VCF-style: chr4-102726622-T-C. GRCh37 (hg19) VCF-style: chr4-103647779-T-C.
Other names: short protein forms Y80C.
Identifiers: ClinVar variation 2157587 (VCV002157587.1), dbSNP rs1722815822, ClinGen allele CA357958538.

ClinVar aggregate classification (germline): Uncertain significance (1 of 4 stars; one submission).

Conditions:
Beta-D-mannosidosis (MANSB). Also called: Beta-Mannosidosis; MANNOSIDOSIS, BETA A, LYSOSOMAL; BETA-MANNOSIDASE DEFICIENCY; LYSOSOMAL BETA-MANNOSIDASE DEFICIENCY. Identifiers: Orphanet 118, MedGen C4048196, MONDO:0009562, OMIM 248510.

Allele frequency attached by ClinVar (database versions not stated): gnomAD exomes below 0.00001.
gnomAD v4.1: 5 of 1,564,324 alleles (0.00032%); highest among the groups gnomAD compares: South Asian, 0.0011%; no homozygotes.

Submission:

Labcorp Genetics (formerly Invitae), Labcorp
Classification: Uncertain significance for Beta-D-mannosidosis. Last evaluated: 2022-04-29. Review status: criteria provided, single submitter. Criteria: Invitae Variant Classification Sherloc (09022015). Collection method: clinical testing. Allele origin: germline.
Comment: This sequence change replaces tyrosine, which is neutral and polar, with cysteine, which is neutral and slightly polar, at codon 80 of the MANBA protein (p.Tyr80Cys). This variant is not present in population databases (gnomAD no frequency). This variant has not been reported in the literature in individuals affected with MANBA-related conditions. Algorithms developed to predict the effect of missense changes on protein structure and function (SIFT, PolyPhen-2, Align-GVGD) all suggest that this variant is likely to be disruptive. In summary, the available evidence is currently insufficient to determine the role of this variant in disease. Therefore, it has been classified as a Variant of Uncertain Significance.